The following is an entry in ClinVar:

ClinVar aggregate classification (germline): Uncertain significance (1 of 4 stars; one submission).

Submission:

GeneDx
Classification: Uncertain significance. Last evaluated: 2025-02-18. Review status: criteria provided, single submitter. Criteria: GeneDx Variant Classification Process June 2021. Collection method: clinical testing. Allele origin: germline. Affected: yes.
Comment: Not observed at significant frequency in large population cohorts (gnomAD); In silico analysis indicates that this missense variant does not alter protein structure/function; Has not been previously published as pathogenic or benign to our knowledge; Reported using an alternate transcript of the gene

NM_130839.5(UBE3A):c.31C>T (p.Pro11Ser)

Genes: SNHG14 (small nucleolar RNA host gene 14; plus strand), UBE3A (ubiquitin protein ligase E3A; minus strand). Cytogenetic location: 15q11.2.
Variant type: single nucleotide variant.
Coding change: c.31C>T on transcript NM_130839.5 (MANE Select); coding-DNA position 31, C replaced by T.
Protein change: p.Pro11Ser; replaces proline 11 with serine.
Molecular consequence: missense variant. On other transcripts: 5 prime UTR variant (21), non-coding transcript variant (1), intron variant (1).
Genome position (GRCh38, 1-based): chr15:25,405,492, G>A on the plus strand (C>T on the coding strand, the complement: UBE3A is on the minus strand). VCF-style: chr15-25405492-G-A. GRCh37 (hg19) VCF-style: chr15-25650639-G-A.
Other names: c.40C>T, p.Pro14Ser (NM_000462.5); c.31C>T, p.Pro11Ser (NM_001354505.1, NM_001354538.2, NM_001354545.2 and 1 more transcripts); c.-30C>T (NM_001354506.2, NM_001354507.2, NM_001354508.2 and 17 more transcripts); c.-143C>T (NM_001354523.2); c.-115-29729C>T (NM_001354546.2); short protein forms P11S, P14S.
Identifiers: ClinVar variation 4076785 (VCV004076785.1).